The following is an entry in ClinVar:

ClinVar aggregate classification (germline): Uncertain significance (1 of 4 stars; one submission).

Conditions:
Autosomal recessive limb-girdle muscular dystrophy type 2E (LGMDR4). Also called: MUSCULAR DYSTROPHY, LIMB-GIRDLE, AUTOSOMAL RECESSIVE 4. Identifiers: Orphanet 119, MedGen C1858593, MONDO:0011423, OMIM 604286. Disease mechanism: Affects gamma-sarcoglycan and also disrupts the integrity of the entire sarcoglycan complex..

Submission:

Labcorp Genetics (formerly Invitae), Labcorp
Classification: Uncertain significance for Autosomal recessive limb-girdle muscular dystrophy type 2E. Last evaluated: 2022-07-25. Review status: criteria provided, single submitter. Criteria: Invitae Variant Classification Sherloc (09022015). Collection method: clinical testing. Allele origin: germline.
Comment: This sequence change replaces glutamine, which is neutral and polar, with leucine, which is neutral and non-polar, at codon 276 of the SGCB protein (p.Gln276Leu). This variant is not present in population databases (gnomAD no frequency). This variant has not been reported in the literature in individuals affected with SGCB-related conditions. ClinVar contains an entry for this variant (Variation ID: 1486915). Algorithms developed to predict the effect of missense changes on protein structure and function (SIFT, PolyPhen-2, Align-GVGD) all suggest that this variant is likely to be tolerated. In summary, the available evidence is currently insufficient to determine the role of this variant in disease. Therefore, it has been classified as a Variant of Uncertain Significance.

NM_000232.5(SGCB):c.827A>T (p.Gln276Leu)

Gene: SGCB (sarcoglycan beta; minus strand). Cytogenetic location: 4q12.
Variant type: single nucleotide variant.
Coding change: c.827A>T on transcript NM_000232.5 (MANE Select); coding-DNA position 827, A replaced by T.
Protein change: p.Gln276Leu; replaces glutamine 276 with leucine.
Molecular consequence: missense variant.
Genome position (GRCh38, 1-based): chr4:52,024,087, T>A on the plus strand (A>T on the coding strand, the complement: SGCB is on the minus strand). VCF-style: chr4-52024087-T-A. GRCh37 (hg19) VCF-style: chr4-52890253-T-A.
Other names: short protein forms Q276L.
Identifiers: ClinVar variation 1486915 (VCV001486915.5), dbSNP rs1737022947, ClinGen allele CA356875295.
Genomic context (GRCh38, chr4:52,024,087, plus strand): 5'-AAGAGCGTCCCATCAGCACACATGCAGAGCTTGTAGCGTACCCAGTCACCACTACCCAAC[T>A]GGTCTCCACTGGAGGAACTGGGTAGGCGGGTGGTGCTGACCATCACAGATCCATTTAGGA-3'
Protein context (NP_000223.1, residues 266-286): TRLPSSSSGD[Gln276Leu]LGSGDWVRYK